The following is an entry in ClinVar:

ClinVar aggregate classification (germline): Uncertain significance (1 of 4 stars; one submission).

Submission:

Labcorp Genetics (formerly Invitae), Labcorp
Classification: Uncertain significance. Last evaluated: 2022-07-19. Review status: criteria provided, single submitter. Criteria: Invitae Variant Classification Sherloc (09022015). Collection method: clinical testing. Allele origin: germline.
Comment: This variant has not been reported in the literature in individuals affected with HPS4-related conditions. In summary, the available evidence is currently insufficient to determine the role of this variant in disease. Therefore, it has been classified as a Variant of Uncertain Significance. Algorithms developed to predict the effect of missense changes on protein structure and function are either unavailable or do not agree on the potential impact of this missense change (SIFT: "Deleterious"; PolyPhen-2: "Possibly Damaging"; Align-GVGD: "Class C0"). This variant is not present in population databases (gnomAD no frequency). This sequence change replaces serine, which is neutral and polar, with isoleucine, which is neutral and non-polar, at codon 423 of the HPS4 protein (p.Ser423Ile).

NM_022081.6(HPS4):c.1268G>T (p.Ser423Ile)

Gene: HPS4 (HPS4 biogenesis of lysosomal organelles complex 3 subunit 2; minus strand). Cytogenetic location: 22q12.1.
Variant type: single nucleotide variant.
Coding change: c.1268G>T on transcript NM_022081.6 (MANE Select); coding-DNA position 1268, G replaced by T.
Protein change: p.Ser423Ile; replaces serine 423 with isoleucine.
Molecular consequence: missense variant. On other transcripts: non-coding transcript variant (8).
Genome position (GRCh38, 1-based): chr22:26,464,362, C>A on the plus strand (G>T on the coding strand, the complement: HPS4 is on the minus strand). VCF-style: chr22-26464362-C-A. GRCh37 (hg19) VCF-style: chr22-26860328-C-A.
Other names: c.1268G>T, p.Ser423Ile (NM_001349896.1, NM_001349898.2, NM_001349899.2 and 5 more transcripts); c.1322G>T, p.Ser441Ile (NM_001349900.2, NM_001349901.1); c.1253G>T, p.Ser418Ile (NM_152841.2); short protein forms S418I, S423I, S441I.
Identifiers: ClinVar variation 1719192 (VCV001719192.5), dbSNP rs2518208420, ClinGen allele CA411027471.
Genomic context (GRCh38, chr22:26,464,362, plus strand): 5'-AGCTGCTCTTGGGCTCCATGCTGGGTCAGCATCTCAGGAGCAGAGGGAGGGCGCAAGCTG[C>A]TGATGGCTGTGTCCTCAGGAGGCGTGGGTTCCAGGCTGCTGGAGGCGCTGAGAGATGCCT-3'
Protein context (NP_071364.4, residues 413-433): EPTPPEDTAI[Ser423Ile]SLRPPSAPEM